The following is an entry in ClinVar:

ClinVar aggregate classification (germline): Uncertain significance (1 of 4 stars; one submission).

Allele frequency attached by ClinVar (database versions not stated): gnomAD exomes below 0.00001.
gnomAD v4.1: 3 of 1,614,116 alleles (0.00019%); highest among the groups gnomAD compares: East Asian, 0.0067%; no homozygotes.

Submission:

GeneDx
Classification: Uncertain significance. Last evaluated: 2020-12-15. Review status: criteria provided, single submitter. Criteria: GeneDx Variant Classification Process June 2021. Collection method: clinical testing. Allele origin: germline. Affected: yes.
Comment: Not observed in large population cohorts (Lek et al., 2016); This variant is associated with the following publications: (PMID: 33111992)

NM_174878.3(CLRN1):c.254-2122A>G

Gene: CLRN1 (clarin 1; minus strand). Cytogenetic location: 3q25.1.
Variant type: single nucleotide variant.
Coding change: c.254-2122A>G on transcript NM_174878.3 (MANE Select); 2122 bases into the intron before coding-DNA position 254, A replaced by G.
Molecular consequence: intron variant. On other transcripts: missense variant (1), 5 prime UTR variant (1).
Genome position (GRCh38, 1-based): chr3:150,943,883, T>C on the plus strand (A>G on the coding strand, the complement: CLRN1 is on the minus strand). VCF-style: chr3-150943883-T-C. GRCh37 (hg19) VCF-style: chr3-150661670-T-C.
Other names: c.362A>G, p.Glu121Gly (NM_001256819.2); c.-39A>G (NM_052995.2); c.254-2122A>G (NM_001195794.1); short protein forms E121G.
Identifiers: ClinVar variation 1312562 (VCV001312562.2), dbSNP rs2107955551, ClinGen allele CA2573052101.